The following is an entry in ClinVar:

ClinVar aggregate classification (germline): Likely benign (1 of 4 stars; one submission).

Submission:

GeneDx
Classification: Likely benign. Last evaluated: 2017-04-12. Review status: criteria provided, single submitter. Criteria: GeneDx Variant Classification (06012015). Collection method: clinical testing. Allele origin: germline. Affected: yes.
Comment: This variant is considered likely benign or benign based on one or more of the following criteria: it is a conservative change, it occurs at a poorly conserved position in the protein, it is predicted to be benign by multiple in silico algorithms, and/or has population frequency not consistent with disease.

NM_001164508.2(NEB):c.14097+11C>T

Gene: NEB (nebulin; minus strand). Cytogenetic location: 2q23.3.
Variant type: single nucleotide variant.
Coding change: c.14097+11C>T on transcript NM_001164508.2 (MANE Select); 11 bases into the intron after coding-DNA position 14097, C replaced by T.
Molecular consequence: intron variant.
Genome position (GRCh38, 1-based): chr2:151,596,947, G>A on the plus strand (C>T on the coding strand, the complement: NEB is on the minus strand). VCF-style: chr2-151596947-G-A. GRCh37 (hg19) VCF-style: chr2-152453461-G-A.
Other names: c.11601+12862C>T (NM_004543.5); c.14097+11C>T (NM_001164507.2, NM_001271208.2).
Identifiers: ClinVar variation 506673 (VCV000506673.1), dbSNP rs1553861597, ClinGen allele CA658795875.
Genomic context (GRCh38, chr2:151,596,947, plus strand): 5'-CTATAACAATCTCCATGAGCAGACAGATATTGCCCATAAAGGCTTTTACACTTCATGTTC[G>A]TGCCACTTACATTGCTGATTTGCAAGGCATTGATGTGGGCCTGCAGCATCTCCGGAGTAT-3'